The following is an entry in ClinVar:

NM_001267550.2(TTN):c.81283G>A (p.Glu27095Lys)

Genes: TTN (titin; minus strand), TTN-AS1 (TTN antisense RNA 1; plus strand). Cytogenetic location: 2q31.2.
Variant type: single nucleotide variant.
Coding change: c.81283G>A on transcript NM_001267550.2 (MANE Select); coding-DNA position 81283, G replaced by A.
Protein change: p.Glu27095Lys; replaces glutamic acid 27095 with lysine.
Molecular consequence: missense variant.
Genome position (GRCh38, 1-based): chr2:178,564,849, C>T on the plus strand (G>A on the coding strand, the complement: TTN is on the minus strand). VCF-style: chr2-178564849-C-T. GRCh37 (hg19) VCF-style: chr2-179429576-C-T.
Other names: c.76360G>A, p.Glu25454Lys (NM_001256850.1); c.54088G>A, p.Glu18030Lys (NM_003319.4); c.73579G>A, p.Glu24527Lys (NM_133378.4); c.54463G>A, p.Glu18155Lys (NM_133432.3); c.54664G>A, p.Glu18222Lys (NM_133437.4); short protein forms E18030K, E18155K, E18222K, E24527K, E25454K, E27095K.
Identifiers: ClinVar variation 4076735 (VCV004076735.1).

ClinVar aggregate classification (germline): Uncertain significance (1 of 4 stars; one submission).

gnomAD v4.1: 2 of 1,613,254 alleles (0.00012%); highest among the groups gnomAD compares: South Asian, 0.0011%; no homozygotes.

Submission:

GeneDx
Classification: Uncertain significance. Last evaluated: 2025-02-25. Review status: criteria provided, single submitter. Criteria: GeneDx Variant Classification Process June 2021. Collection method: clinical testing. Allele origin: germline. Affected: yes.
Comment: Not observed at significant frequency in large population cohorts (gnomAD); Missense variant in a gene in which most reported pathogenic variants are truncating/loss of function; Has not been previously published as pathogenic or benign to our knowledge